The following is an entry in ClinVar:

ClinVar aggregate classification (germline): Uncertain significance. Review status: criteria provided, multiple submitters, no conflicts (2 of 4 stars). 5 submissions from 5 submitters: Uncertain significance (3). 2 of the submissions do not count toward it. Last evaluated 2026-01-27.

Conditions:
Cystic fibrosis (CF). Also called: MUCOVISCIDOSIS. Identifiers: Orphanet 586, MedGen C0010674, MONDO:0009061, OMIM 219700. Disease mechanism: loss of function.
CFTR-related disorder (CFTR-RD). Also called: CFTR-related condition; CFTR-related disorders. Identifiers: MedGen C5924204, MONDO:7770004.

Allele frequency attached by ClinVar (database versions not stated): 1000 Genomes Project 30x 0.00031; ExAC 0.00001; TOPMed 0.00002; 1000 Genomes Project 0.00040; gnomAD exomes 0.00001 and 0.00003; gnomAD 0.00002.
gnomAD v4.1: 19 of 1,612,968 alleles (0.0012%); highest among the groups gnomAD compares: East Asian, 0.038%; no homozygotes.

Submissions (5):

Labcorp Genetics (formerly Invitae), Labcorp
Classification: Uncertain significance for Cystic fibrosis. Last evaluated: 2026-01-27. Review status: criteria provided, single submitter. Criteria: Invitae Variant Classification Sherloc (09022015). Collection method: clinical testing. Allele origin: germline.
Comment: This sequence change replaces asparagine, which is neutral and polar, with serine, which is neutral and polar, at codon 847 of the CFTR protein (p.Asn847Ser). This variant is present in population databases (rs562851847, gnomAD 0.04%). This missense change has been observed in individual(s) with congenital absence of vas deferens (PMID: 32777524). ClinVar contains an entry for this variant (Variation ID: 655447). Invitae Evidence Modeling of protein sequence and biophysical properties (such as structural, functional, and spatial information, amino acid conservation, physicochemical variation, residue mobility, and thermodynamic stability) indicates that this missense variant is not expected to disrupt CFTR protein function with a negative predictive value of 80%. In summary, the available evidence is currently insufficient to determine the role of this variant in disease. Therefore, it has been classified as a Variant of Uncertain Significance.

Ambry Genetics
Classification: Uncertain significance for Cystic fibrosis. Last evaluated: 2025-12-22. Review status: criteria provided, single submitter. Criteria: Ambry Variant Classification Scheme 2023. Collection method: clinical testing. Allele origin: germline.
Comment: The p.N847S variant (also known as c.2540A>G), located in coding exon 15 of the CFTR gene, results from an A to G substitution at nucleotide position 2540. The asparagine at codon 847 is replaced by serine, an amino acid with highly similar properties. This amino acid position is well conserved in available vertebrate species. In addition, the in silico prediction for this alteration is inconclusive. Since supporting evidence is limited at this time, the clinical significance of this alteration remains unclear.

Women's Health and Genetics/Laboratory Corporation of America, LabCorp
Classification: Uncertain significance. Last evaluated: 2022-03-15. Review status: criteria provided, single submitter. Criteria: LabCorp Variant Classification Summary - May 2015. Collection method: clinical testing. Allele origin: germline.
Comment: Variant summary: CFTR c.2540A>G (p.Asn847Ser) results in a conservative amino acid change in the encoded protein sequence. Three of five in-silico tools predict a benign effect of the variant on protein function. The variant allele was found at a frequency of 3.6e-05 in 251534 control chromosomes. The available data on variant occurrences in the general population are insufficient to allow any conclusion about variant significance. c.2540A>G has been reported in the literature in individuals affected with CAVD. This report does not provide unequivocal conclusions about association of the variant with Chronic Pancreatitis Risk. To our knowledge, no experimental evidence demonstrating an impact on protein function has been reported. Two clinical diagnostic laboratories have submitted clinical-significance assessments for this variant to ClinVar after 2014 without evidence for independent evaluation. Both laboratories classified the variant as uncertain significance. Based on the evidence outlined above, the variant was classified as uncertain significance.

PreventionGenetics, part of Exact Sciences
Classification: Uncertain significance for CFTR-related condition. Last evaluated: 2024-02-16. Review status: no assertion criteria provided. Collection method: clinical testing. Allele origin: germline. Not counted in ClinVar's aggregate classification.
Comment: The CFTR c.2540A>G variant is predicted to result in the amino acid substitution p.Asn847Ser. This variant was reported in an individual with congenital absence of vas deferens (Luo et al. 2021. PubMed ID: 32777524), and was reported in a control individual in a study of individuals with bronchiectasis (Guan et al. et al 2018. PubMed ID: 29997923). This variant is reported in 0.043% of alleles in individuals of East Asian descent in gnomAD. At this time, the clinical significance of this variant is uncertain due to the absence of conclusive functional and genetic evidence.

Natera, Inc.
Classification: Uncertain significance for CFTR-related disorders. Last evaluated: 2018-06-30. Review status: no assertion criteria provided. Collection method: clinical testing. Allele origin: germline. Not counted in ClinVar's aggregate classification.

Literature cited by the submitters: PubMed 32777524 (cited by Labcorp Genetics (formerly Invitae), Labcorp and Women's Health and Genetics/Laboratory Corporation of America, LabCorp); PubMed 29997923 (cited by Women's Health and Genetics/Laboratory Corporation of America, LabCorp).

NM_000492.4(CFTR):c.2540A>G (p.Asn847Ser)

Gene: CFTR (CF transmembrane conductance regulator; plus strand). Cytogenetic location: 7q31.2.
Variant type: single nucleotide variant.
Coding change: c.2540A>G on transcript NM_000492.4 (MANE Select); coding-DNA position 2540, A replaced by G.
Protein change: p.Asn847Ser; replaces asparagine 847 with serine.
Molecular consequence: missense variant.
Genome position (GRCh38, 1-based): chr7:117,594,979, A>G. VCF-style: chr7-117594979-A-G. GRCh37 (hg19) VCF-style: chr7-117235033-A-G.
Other names: short protein forms N847S.
Identifiers: ClinVar variation 655447 (VCV000655447.12), dbSNP rs562851847, ClinGen allele CA4451218.